The following is an entry in ClinVar:

ClinVar aggregate classification (germline): Likely benign (1 of 4 stars; one submission).

Allele frequency attached by ClinVar (database versions not stated): 1000 Genomes Project 30x 0.00094; 1000 Genomes Project 0.00100.
gnomAD v4.1: 302 of 1,613,894 alleles (0.019%); highest among the groups gnomAD compares: East Asian, 0.55%; no homozygotes.

Submission:

CeGaT Center for Human Genetics Tuebingen
Classification: Likely benign. Last evaluated: 2023-03-01. Review status: criteria provided, single submitter. Criteria: CeGaT Center For Human Genetics Tuebingen Variant Classification Criteria Version 2. Collection method: clinical testing. Allele origin: germline. Affected: yes. Observed: 1 variant allele.
Comment: ABCA13: BP4, BP7, BS1

NM_152701.5(ABCA13):c.11793C>T (p.Thr3931=)

Gene: ABCA13 (ATP binding cassette subfamily A member 13; plus strand). Cytogenetic location: 7p12.3.
Variant type: single nucleotide variant.
Coding change: c.11793C>T on transcript NM_152701.5 (MANE Select); coding-DNA position 11793, C replaced by T.
Protein change: p.Thr3931=; no amino-acid change (threonine 3931 retained).
Molecular consequence: synonymous variant.
Genome position (GRCh38, 1-based): chr7:48,392,059, C>T. VCF-style: chr7-48392059-C-T. GRCh37 (hg19) VCF-style: chr7-48431656-C-T.
Identifiers: ClinVar variation 2657490 (VCV002657490.24), dbSNP rs147058958, ClinGen allele CA4258734.